The following is an entry in ClinVar:

NM_001142800.2(EYS):c.6779C>T (p.Ala2260Val)

Gene: EYS (eyes shut homolog; minus strand). Cytogenetic location: 6q12.
Variant type: single nucleotide variant.
Coding change: c.6779C>T on transcript NM_001142800.2 (MANE Select); coding-DNA position 6779, C replaced by T.
Protein change: p.Ala2260Val; replaces alanine 2260 with valine.
Molecular consequence: missense variant.
Genome position (GRCh38, 1-based): chr6:63,999,130, G>A on the plus strand (C>T on the coding strand, the complement: EYS is on the minus strand). VCF-style: chr6-63999130-G-A. GRCh37 (hg19) VCF-style: chr6-64709023-G-A.
Other names: c.6779C>T, p.Ala2260Val (NM_001292009.2); short protein forms A2260V.
Identifiers: ClinVar variation 1437209 (VCV001437209.5), dbSNP rs1393343998, ClinGen allele CA364389680.
Genomic context (GRCh38, chr6:63,999,130, plus strand): 5'-CCTACCTGAGAGGCATGGGAAATCTCTGTGTCTTTCTTCTGTACTGGAGGTTTTCCATCT[G>A]CAGTCATTTCAATCATACAAACAACTCCAGGGCTGCCAACAGGCGTTGTGTAGCTAAACG-3'
Protein context (NP_001136272.1, residues 2250-2270): PGVVCMIEMT[Ala2260Val]DGKPPVQKKD

ClinVar aggregate classification (germline): Uncertain significance (1 of 4 stars; one submission).

Allele frequency attached by ClinVar (database versions not stated): gnomAD exomes 0.00002.
gnomAD v4.1: 5 of 1,551,732 alleles (0.00032%); highest among the groups gnomAD compares: South Asian, 0.0059%; 1 homozygote.

Submission:

Labcorp Genetics (formerly Invitae), Labcorp
Classification: Uncertain significance. Last evaluated: 2021-08-26. Review status: criteria provided, single submitter. Criteria: Invitae Variant Classification Sherloc (09022015). Collection method: clinical testing. Allele origin: germline.
Comment: This sequence change replaces alanine with valine at codon 2260 of the EYS protein (p.Ala2260Val). The alanine residue is highly conserved and there is a small physicochemical difference between alanine and valine. This variant is not present in population databases (ExAC no frequency). This variant has not been reported in the literature in individuals affected with EYS-related conditions. Algorithms developed to predict the effect of missense changes on protein structure and function output the following: SIFT: "Tolerated"; PolyPhen-2: "Benign"; Align-GVGD: "Class C0". The valine amino acid residue is found in multiple mammalian species, which suggests that this missense change does not adversely affect protein function. In summary, the available evidence is currently insufficient to determine the role of this variant in disease. Therefore, it has been classified as a Variant of Uncertain Significance.